The following is an entry in ClinVar:

ClinVar aggregate classification (germline): Uncertain significance (1 of 4 stars; one submission).

Allele frequency attached by ClinVar (database versions not stated): TOPMed below 0.00001; gnomAD 0.00001.

Submission:

Ambry Genetics
Classification: Uncertain significance. Last evaluated: 2021-12-29. Review status: criteria provided, single submitter. Criteria: Ambry Variant Classification Scheme 2023. Collection method: clinical testing. Allele origin: germline.
Comment: The p.T837S variant (also known as c.2509A>T), located in coding exon 22 of the PRKDC gene, results from an A to T substitution at nucleotide position 2509. The threonine at codon 837 is replaced by serine, an amino acid with similar properties. This amino acid position is conserved. In addition, this alteration is predicted to be tolerated by in silico analysis. Since supporting evidence is limited at this time, the clinical significance of this alteration remains unclear.

NM_006904.7(PRKDC):c.2509A>T (p.Thr837Ser)

Gene: PRKDC (protein kinase, DNA-activated, catalytic subunit; minus strand). Cytogenetic location: 8q11.21.
Variant type: single nucleotide variant.
Coding change: c.2509A>T on transcript NM_006904.7 (MANE Select); coding-DNA position 2509, A replaced by T.
Protein change: p.Thr837Ser; replaces threonine 837 with serine.
Molecular consequence: missense variant.
Genome position (GRCh38, 1-based): chr8:47,918,294, T>A on the plus strand (A>T on the coding strand, the complement: PRKDC is on the minus strand). VCF-style: chr8-47918294-T-A. GRCh37 (hg19) VCF-style: chr8-48830854-T-A.
Other names: c.2509A>T, p.Thr837Ser (NM_001081640.2); short protein forms T837S.
Identifiers: ClinVar variation 1792351 (VCV001792351.2), dbSNP rs1329183271, ClinGen allele CA371160323.